The following is an entry in ClinVar:

ClinVar aggregate classification (germline): Pathogenic (1 of 4 stars; one submission).

Conditions:
Fanconi anemia (FA). Also called: Fanconi's anemia. Identifiers: Orphanet 84, MedGen C0015625, MeSH D005199, MONDO:0019391.

Submission:

Labcorp Genetics (formerly Invitae), Labcorp
Classification: Pathogenic for Fanconi anemia. Last evaluated: 2022-10-07. Review status: criteria provided, single submitter. Criteria: Invitae Variant Classification Sherloc (09022015). Collection method: clinical testing. Allele origin: germline.
Comment: This variant is a gross deletion of the genomic region encompassing exon(s) 18-20 of the FANCA gene. This deletion is out-of-frame, and is expected to create a premature termination codon and result in an absent or disrupted protein product. Loss-of-function variants in FANCA are known to be pathogenic (PMID: 19367192). A similar copy number variant has been observed in individual(s) with Fanconi anemia (PMID: 21273304). For these reasons, this variant has been classified as Pathogenic.

Literature cited by the submitters: PubMed 19367192; PubMed 21273304.

NC_000016.10:g.(?_89778791)_(89779967_?)del

Gene: FANCA (FA complementation group A; minus strand). Cytogenetic location: 16q24.3.
Variant type: Deletion.
Identifiers: ClinVar variation 833216 (VCV000833216.5).